The following is an entry in ClinVar:

NM_177438.3(DICER1):c.2454G>A (p.Val818=)

Gene: DICER1 (dicer 1, ribonuclease III; minus strand). Cytogenetic location: 14q32.13.
Variant type: single nucleotide variant.
Coding change: c.2454G>A on transcript NM_177438.3 (MANE Select); coding-DNA position 2454, G replaced by A.
Protein change: p.Val818=; no amino-acid change (valine 818 retained).
Molecular consequence: synonymous variant.
Genome position (GRCh38, 1-based): chr14:95,108,076, C>T on the plus strand (G>A on the coding strand, the complement: DICER1 is on the minus strand). VCF-style: chr14-95108076-C-T. GRCh37 (hg19) VCF-style: chr14-95574413-C-T.
Other names: c.2454G>A, p.Val818= (NM_001195573.1, NM_001271282.3, NM_001291628.2 and 1 more transcripts).
Identifiers: ClinVar variation 821305 (VCV000821305.15), dbSNP rs1225486613, ClinGen allele CA487844931.
Genomic context (GRCh38, chr14:95,108,076, plus strand): 5'-CAACATGAAACCAGACTTCTTCAACTCAATGGATATGGTAACCTCTCCAGAGCGTGTGTA[C>T]ACAGGAAAGTGTGGAATCTTAGCAAAAGGAAATGTAAAGCACCCCTCAAAATTAACAGGT-3'
Protein context (NP_803187.1, residues 808-828): KPIPQIPHFP[Val818=]YTRSGEVTIS

ClinVar aggregate classification (germline): Conflicting classifications of pathogenicity. Review status: criteria provided, conflicting classifications (1 of 4 stars). 3 submissions from 3 submitters: Uncertain significance (1); Likely benign (2). Last evaluated 2025-04-18.

Conditions:
DICER1-related tumor predisposition. Also called: DICER1-related pleuropulmonary blastoma cancer predisposition syndrome; DICER1 syndrome. Identifiers: Orphanet 284343, MedGen C3839822, MONDO:0100216.
Hereditary cancer-predisposing syndrome. Also called: Hereditary Cancer Syndrome; Neoplastic Syndromes, Hereditary; Hereditary neoplastic syndrome; Tumor predisposition. Identifiers: Orphanet 140162, MedGen C0027672, MeSH D009386, MONDO:0015356.

Allele frequency attached by ClinVar (database versions not stated): gnomAD 0.00001.
gnomAD v4.1: 2 of 1,613,252 alleles (0.00012%); highest among the groups gnomAD compares: Admixed American, 0.0017%; no homozygotes.

Submissions (3):

GeneDx
Classification: Uncertain significance. Last evaluated: 2025-04-18. Review status: criteria provided, single submitter. Criteria: GeneDx Variant Classification Process June 2021. Collection method: clinical testing. Allele origin: germline. Affected: yes.
Comment: Not observed at significant frequency in large population cohorts (gnomAD); In silico analysis indicates that this variant does not alter splicing; Has not been previously published as pathogenic or benign to our knowledge

Labcorp Genetics (formerly Invitae), Labcorp
Classification: Likely benign for DICER1-related tumor predisposition. Last evaluated: 2023-12-01. Review status: criteria provided, single submitter. Criteria: Invitae Variant Classification Sherloc (09022015). Collection method: clinical testing. Allele origin: germline.

Ambry Genetics
Classification: Likely benign for Hereditary cancer-predisposing syndrome. Last evaluated: 2017-12-18. Review status: criteria provided, single submitter. Criteria: Ambry Variant Classification Scheme 2023. Collection method: clinical testing. Allele origin: germline.